The following is an entry in ClinVar:

NM_015340.4(LARS2):c.1261G>C (p.Asp421His)

Genes: LARS2 (leucyl-tRNA synthetase 2, mitochondrial; plus strand), LARS2-AS1 (LARS2 antisense RNA 1; minus strand). Cytogenetic location: 3p21.31.
Variant type: single nucleotide variant.
Coding change: c.1261G>C on transcript NM_015340.4 (MANE Select); coding-DNA position 1261, G replaced by C.
Protein change: p.Asp421His; replaces aspartic acid 421 with histidine.
Molecular consequence: missense variant.
Genome position (GRCh38, 1-based): chr3:45,491,538, G>C. VCF-style: chr3-45491538-G-C. GRCh37 (hg19) VCF-style: chr3-45533030-G-C.
Other names: c.1261G>C, p.Asp421His (NM_001368263.1); short protein forms D421H.
Identifiers: ClinVar variation 1903088 (VCV001903088.3), dbSNP rs1408683756, ClinGen allele CA352425598.

ClinVar aggregate classification (germline): Uncertain significance (1 of 4 stars; one submission).

Allele frequency attached by ClinVar (database versions not stated): gnomAD exomes below 0.00001; gnomAD 0.00001.
gnomAD v4.1: 5 of 1,614,044 alleles (0.00031%); highest among the groups gnomAD compares: Non-Finnish European, 0.00042%; no homozygotes.

Submission:

Labcorp Genetics (formerly Invitae), Labcorp
Classification: Uncertain significance. Last evaluated: 2022-05-25. Review status: criteria provided, single submitter. Criteria: Invitae Variant Classification Sherloc (09022015). Collection method: clinical testing. Allele origin: germline.
Comment: This sequence change replaces aspartic acid, which is acidic and polar, with histidine, which is basic and polar, at codon 421 of the LARS2 protein (p.Asp421His). This variant is present in population databases (no rsID available, gnomAD 0.007%). This variant has not been reported in the literature in individuals affected with LARS2-related conditions. Algorithms developed to predict the effect of missense changes on protein structure and function are either unavailable or do not agree on the potential impact of this missense change (SIFT: "Tolerated"; PolyPhen-2: "Possibly Damaging"; Align-GVGD: "Class C0"). In summary, the available evidence is currently insufficient to determine the role of this variant in disease. Therefore, it has been classified as a Variant of Uncertain Significance.